The following is an entry in ClinVar:

NM_000046.5(ARSB):c.1288C>A (p.His430Asn)

Gene: ARSB (arylsulfatase B; minus strand). Cytogenetic location: 5q14.1.
Variant type: single nucleotide variant.
Coding change: c.1288C>A on transcript NM_000046.5 (MANE Select); coding-DNA position 1288, C replaced by A.
Protein change: p.His430Asn; replaces histidine 430 with asparagine.
Molecular consequence: missense variant.
Genome position (GRCh38, 1-based): chr5:78,781,900, G>T on the plus strand (C>A on the coding strand, the complement: ARSB is on the minus strand). VCF-style: chr5-78781900-G-T. GRCh37 (hg19) VCF-style: chr5-78077723-G-T.
Other names: short protein forms H430N.
Identifiers: ClinVar variation 559697 (VCV000559697.1), dbSNP rs1554069785, ClinGen allele CA360339979.

ClinVar aggregate classification (germline): Uncertain significance (1 of 4 stars; one submission).

Conditions:
Mucopolysaccharidosis type 6 (MPS6). Also called: N-ACETYLGALACTOSAMINE-4-SULFATASE DEFICIENCY; MPS VI; MPS 6; Maroteaux Lamy syndrome; ARSB DEFICIENCY; ARYLSULFATASE B DEFICIENCY. Identifiers: Orphanet 583, MedGen C0026709, MONDO:0009661, OMIM 253200.

Submission:

Laboratory of Diagnosis and Therapy of Lysosomal Disorders, University of Padova
Classification: Uncertain significance for Mucopolysaccharidosis type 6. Last evaluated: 2018-01-01. Review status: criteria provided, single submitter. Criteria: ACMG Guidelines, 2015. Collection method: curation. Allele origin: germline. Affected: yes.
Comment: Absent from GnomAD (PM2)

Literature cited by the submitters: PubMed 24053568; PubMed 30118150.